The following is an entry in ClinVar:

ClinVar aggregate classification (germline): Uncertain significance (1 of 4 stars; one submission).

Conditions:
Familial adenomatous polyposis 1 (FAP1). Also called: FAMILIAL ADENOMATOUS POLYPOSIS 1, ATTENUATED; POLYPOSIS, ADENOMATOUS INTESTINAL. Identifiers: MedGen C2713442, MONDO:0021056, OMIM 175100. Disease mechanism: loss of function.

Submission:

Labcorp Genetics (formerly Invitae), Labcorp
Classification: Uncertain significance for Familial adenomatous polyposis 1. Last evaluated: 2024-09-13. Review status: criteria provided, single submitter. Criteria: Invitae Variant Classification Sherloc (09022015). Collection method: clinical testing. Allele origin: germline.
Comment: This sequence change replaces isoleucine, which is neutral and non-polar, with leucine, which is neutral and non-polar, at codon 2071 of the APC protein (p.Ile2071Leu). This variant is not present in population databases (gnomAD no frequency). This variant has not been reported in the literature in individuals affected with APC-related conditions. Invitae Evidence Modeling of protein sequence and biophysical properties (such as structural, functional, and spatial information, amino acid conservation, physicochemical variation, residue mobility, and thermodynamic stability) indicates that this missense variant is not expected to disrupt APC protein function with a negative predictive value of 95%. In summary, the available evidence is currently insufficient to determine the role of this variant in disease. Therefore, it has been classified as a Variant of Uncertain Significance.

NM_000038.6(APC):c.6211A>T (p.Ile2071Leu)

Gene: APC (APC regulator of Wnt signaling pathway; plus strand). Cytogenetic location: 5q22.2.
Variant type: single nucleotide variant.
Coding change: c.6211A>T on transcript NM_000038.6 (MANE Select); coding-DNA position 6211, A replaced by T.
Protein change: p.Ile2071Leu; replaces isoleucine 2071 with leucine.
Molecular consequence: missense variant. On other transcripts: non-coding transcript variant (2).
Genome position (GRCh38, 1-based): chr5:112,841,805, A>T. VCF-style: chr5-112841805-A-T. GRCh37 (hg19) VCF-style: chr5-112177502-A-T.
Other names: c.5059A>T, p.Ile1687Leu (NM_001407472.1, NM_001407471.1); c.6211A>T, p.Ile2071Leu (NM_001127510.3, NM_001354895.2, NM_001407450.1); c.6157A>T, p.Ile2053Leu (NM_001127511.3); c.6265A>T, p.Ile2089Leu (NM_001354896.2, NM_001407447.1, NM_001407448.1 and 1 more transcripts); c.6241A>T, p.Ile2081Leu (NM_001354897.2); c.6136A>T, p.Ile2046Leu (NM_001354898.2); c.6127A>T, p.Ile2043Leu (NM_001354899.2); c.6088A>T, p.Ile2030Leu (NM_001354900.2); and 11 more; short protein forms I1970L, I1980L, I2046L, I2064L, I2081L, I2089L, I1942L, I2043L.
Identifiers: ClinVar variation 3635497 (VCV003635497.2).